The following is an entry in ClinVar:

NM_016156.6(MTMR2):c.479A>C (p.Asn160Thr)

Gene: MTMR2 (myotubularin related protein 2; minus strand). Cytogenetic location: 11q21.
Variant type: single nucleotide variant.
Coding change: c.479A>C on transcript NM_016156.6 (MANE Select); coding-DNA position 479, A replaced by C.
Protein change: p.Asn160Thr; replaces asparagine 160 with threonine.
Molecular consequence: missense variant.
Genome position (GRCh38, 1-based): chr11:95,858,622, T>G on the plus strand (A>C on the coding strand, the complement: MTMR2 is on the minus strand). VCF-style: chr11-95858622-T-G. GRCh37 (hg19) VCF-style: chr11-95591786-T-G.
Other names: c.263A>C, p.Asn88Thr (NM_001243571.2, NM_201278.3, NM_201281.3); short protein forms N160T, N88T.
Identifiers: ClinVar variation 952779 (VCV000952779.6), dbSNP rs1286568485, ClinGen allele CA382428692.

ClinVar aggregate classification (germline): Uncertain significance (1 of 4 stars; one submission).

Conditions:
Charcot-Marie-Tooth disease type 4. Also called: Charcot-Marie-Tooth, Type 4; Charcot-Marie-Tooth disease, type IV. Identifiers: Orphanet 64749, MedGen C4082197, MONDO:0018995.

Allele frequency attached by ClinVar (database versions not stated): gnomAD exomes below 0.00001; gnomAD 0.00001; TOPMed 0.00001.
gnomAD v4.1: 4 of 1,606,102 alleles (0.00025%); highest among the groups gnomAD compares: Non-Finnish European, 0.00034%; no homozygotes.

Submission:

Labcorp Genetics (formerly Invitae), Labcorp
Classification: Uncertain significance for Charcot-Marie-Tooth disease type 4. Last evaluated: 2021-09-01. Review status: criteria provided, single submitter. Criteria: Invitae Variant Classification Sherloc (09022015). Collection method: clinical testing. Allele origin: germline.
Comment: This sequence change replaces asparagine with threonine at codon 160 of the MTMR2 protein (p.Asn160Thr). The asparagine residue is moderately conserved and there is a small physicochemical difference between asparagine and threonine. This variant is not present in population databases (ExAC no frequency). This variant has not been reported in the literature in individuals affected with MTMR2-related conditions. Algorithms developed to predict the effect of missense changes on protein structure and function (SIFT, PolyPhen-2, Align-GVGD) all suggest that this variant is likely to be tolerated. In summary, the available evidence is currently insufficient to determine the role of this variant in disease. Therefore, it has been classified as a Variant of Uncertain Significance.